The following is an entry in ClinVar:

NM_003922.4(HERC1):c.2580G>A (p.Arg860=)

Gene: HERC1 (HECT and RLD domain containing E3 ubiquitin protein ligase family member 1; minus strand). Cytogenetic location: 15q22.31.
Variant type: single nucleotide variant.
Coding change: c.2580G>A on transcript NM_003922.4 (MANE Select); coding-DNA position 2580, G replaced by A.
Protein change: p.Arg860=; no amino-acid change (arginine 860 retained).
Molecular consequence: synonymous variant.
Genome position (GRCh38, 1-based): chr15:63,734,790, C>T on the plus strand (G>A on the coding strand, the complement: HERC1 is on the minus strand). VCF-style: chr15-63734790-C-T. GRCh37 (hg19) VCF-style: chr15-64026989-C-T.
Identifiers: ClinVar variation 733766 (VCV000733766.36), dbSNP rs192526843, ClinGen allele CA7606249.

ClinVar aggregate classification (germline): Benign/Likely benign. Review status: criteria provided, multiple submitters, no conflicts (2 of 4 stars). 5 submissions from 5 submitters: Benign (1); Likely benign (3). 1 of the submissions does not count toward it. Last evaluated 2025-11-28.

Conditions:
HERC1-related disorder. Also called: HERC1-related condition.

Allele frequency attached by ClinVar (database versions not stated): gnomAD exomes 0.00035; ExAC 0.00047; ESP Exome Variant Server 0.00100; gnomAD 0.00173 and 0.00180; TOPMed 0.00190; 1000 Genomes Project 0.00200; 1000 Genomes Project 30x 0.00265.
gnomAD v4.1: 512 of 1,603,336 alleles (0.032%); highest among the groups gnomAD compares: African/African-American, 0.62%; 1 homozygote.

Submissions (5):

Labcorp Genetics (formerly Invitae), Labcorp
Classification: Benign. Last evaluated: 2025-11-28. Review status: criteria provided, single submitter. Criteria: Invitae Variant Classification Sherloc (09022015). Collection method: clinical testing. Allele origin: germline.

Blueprint Genetics
Classification: Likely benign. Last evaluated: 2024-11-14. Review status: criteria provided, single submitter. Criteria: ACMG Guidelines, 2015. Collection method: clinical testing. Allele origin: germline.

CeGaT Center for Human Genetics Tuebingen
Classification: Likely benign. Last evaluated: 2023-08-01. Review status: criteria provided, single submitter. Criteria: CeGaT Center For Human Genetics Tuebingen Variant Classification Criteria Version 2. Collection method: clinical testing. Allele origin: germline. Affected: yes. Observed: 1 variant allele.
Comment: HERC1: BP4, BP7

GeneDx
Classification: Likely benign. Last evaluated: 2020-08-05. Review status: criteria provided, single submitter. Criteria: GeneDx Variant Classification Process June 2021. Collection method: clinical testing. Allele origin: germline. Affected: yes.

PreventionGenetics, part of Exact Sciences
Classification: Likely benign for HERC1-related condition. Last evaluated: 2019-05-15. Review status: no assertion criteria provided. Collection method: clinical testing. Allele origin: germline. Not counted in ClinVar's aggregate classification.
Comment: This variant is classified as likely benign based on ACMG/AMP sequence variant interpretation guidelines (Richards et al. 2015 PMID: 25741868, with internal and published modifications).